The following is an entry in ClinVar:

ClinVar aggregate classification (germline): Uncertain significance (1 of 4 stars; one submission).

Submission:

Labcorp Genetics (formerly Invitae), Labcorp
Classification: Uncertain significance. Last evaluated: 2025-05-02. Review status: criteria provided, single submitter. Criteria: Invitae Variant Classification Sherloc (09022015). Collection method: clinical testing. Allele origin: germline.
Comment: This sequence change creates a premature translational stop signal (p.Arg202*) in the PARS2 gene. While this is not anticipated to result in nonsense mediated decay, it is expected to disrupt the last 274 amino acid(s) of the PARS2 protein. This variant is present in population databases (rs141760650, gnomAD 0.003%). This variant has not been reported in the literature in individuals affected with PARS2-related conditions. Experimental studies and prediction algorithms are not available or were not evaluated, and the functional significance of this variant is currently unknown. In summary, the available evidence is currently insufficient to determine the role of this variant in disease. Therefore, it has been classified as a Variant of Uncertain Significance.

NM_152268.4(PARS2):c.604C>T (p.Arg202Ter)

Gene: PARS2 (prolyl-tRNA synthetase 2, mitochondrial; minus strand). Cytogenetic location: 1p32.3.
Variant type: single nucleotide variant.
Coding change: c.604C>T on transcript NM_152268.4 (MANE Select); coding-DNA position 604, C replaced by T.
Protein change: p.Arg202Ter; replaces arginine 202 with a stop codon.
Molecular consequence: nonsense.
Genome position (GRCh38, 1-based): chr1:54,758,558, G>A on the plus strand (C>T on the coding strand, the complement: PARS2 is on the minus strand). VCF-style: chr1-54758558-G-A. GRCh37 (hg19) VCF-style: chr1-55224231-G-A.
Other names: short protein forms R202*.
Identifiers: ClinVar variation 4696453 (VCV004696453.1).